The following is an entry in ClinVar:

ClinVar aggregate classification (germline): Uncertain significance (1 of 4 stars; one submission).

Submission:

GeneDx
Classification: Uncertain significance. Last evaluated: 2019-12-16. Review status: criteria provided, single submitter. Criteria: GeneDx Variant Classification Process June 2021. Collection method: clinical testing. Allele origin: germline. Affected: yes.
Comment: Not observed in large population cohorts (Lek et al., 2016); In silico analysis, which includes protein predictors and evolutionary conservation, supports that this variant does not alter protein structure/function; Has not been previously published as pathogenic or benign to our knowledge

NM_001134407.3(GRIN2A):c.2653T>C (p.Phe885Leu)

Gene: GRIN2A (glutamate ionotropic receptor NMDA type subunit 2A; minus strand). Cytogenetic location: 16p13.2.
Variant type: single nucleotide variant.
Coding change: c.2653T>C on transcript NM_001134407.3 (MANE Select); coding-DNA position 2653, T replaced by C.
Protein change: p.Phe885Leu; replaces phenylalanine 885 with leucine.
Molecular consequence: missense variant.
Genome position (GRCh38, 1-based): chr16:9,764,891, A>G on the plus strand (T>C on the coding strand, the complement: GRIN2A is on the minus strand). VCF-style: chr16-9764891-A-G. GRCh37 (hg19) VCF-style: chr16-9858748-A-G.
Other names: c.2653T>C, p.Phe885Leu (NM_001134408.2, NM_000833.5); short protein forms F885L.
Identifiers: ClinVar variation 1204658 (VCV001204658.3), dbSNP rs1900820993, ClinGen allele CA394709649.
Genomic context (GRCh38, chr16:9,764,891, plus strand): 5'-AAATGTTTTTGGCTGACCGGAGGAGTTTTAACATGTTGCTCTGGGATCCCGTCAGATTGA[A>G]GTCTGGAGACTTCTTCTTTTCTTCAATGTGCACTCCATGAATGCAGCTGTAGATGCCCTG-3'
Protein context (NP_001127879.1, residues 875-895): HIEEKKKSPD[Phe885Leu]NLTGSQSNML